The following is an entry in ClinVar:

NM_006904.7(PRKDC):c.10298-118_10298-116del

Gene: PRKDC (protein kinase, DNA-activated, catalytic subunit; minus strand). Cytogenetic location: 8q11.21.
Variant type: Microsatellite.
Coding change: c.10298-118_10298-116del on transcript NM_006904.7 (MANE Select); 118 bases into the intron before coding-DNA position 10298 through 116 bases into the intron before coding-DNA position 10298, 3 bases deleted (AGA; older notation c.10298-118_10298-116delAGA).
Molecular consequence: intron variant.
Genome position (GRCh38, 1-based): chr8:47,798,513-47,798,515, TCT deleted on the plus strand (AGA on the coding strand, the reverse complement: PRKDC is on the minus strand); deleting any 3 consecutive bases within chr8:47,798,513-47,798,519 gives the same sequence; the c. name uses the placement nearest the transcript's 3' end. VCF-style (leftmost placement, unchanged base first): chr8-47798512-CTCT-C. GRCh37 (hg19) VCF-style: chr8-48711073-CTCT-C.
Other names: c.10298-118_10298-116del (NM_001081640.2).
Identifiers: ClinVar variation 2662885 (VCV002662885.1), dbSNP rs200138046, ClinGen allele CA176145552.

ClinVar aggregate classification (germline): Likely benign (1 of 4 stars; one submission).

Submission:

GeneDx
Classification: Likely benign. Last evaluated: 2021-05-23. Review status: criteria provided, single submitter. Criteria: GeneDx Variant Classification Process June 2021. Collection method: clinical testing. Allele origin: germline. Affected: yes.
Comment: See Variant Classification Assertion Criteria.